The following is an entry in ClinVar:

ClinVar aggregate classification (germline): Likely benign. Review status: criteria provided, multiple submitters, no conflicts (2 of 4 stars). 3 submissions from 3 submitters: Likely benign (2). 1 of the submissions does not count toward it. Last evaluated 2023-10-12.

Conditions:
BBS2-related disorder. Also called: BBS2-related condition; BBS2-related disorders. Identifiers: MedGen CN239228.
Bardet-Biedl syndrome (BBS). Identifiers: Orphanet 110, MedGen C0752166, MONDO:0015229.

Allele frequency attached by ClinVar (database versions not stated): ExAC 0.00001; gnomAD exomes 0.00001; TOPMed 0.00001.
gnomAD v4.1: 17 of 1,614,220 alleles (0.0011%); highest among the groups gnomAD compares: Middle Eastern, 0.016%; no homozygotes.

Submissions (3):

Labcorp Genetics (formerly Invitae), Labcorp
Classification: Likely benign for Bardet-Biedl syndrome. Last evaluated: 2023-10-12. Review status: criteria provided, single submitter. Criteria: Invitae Variant Classification Sherloc (09022015). Collection method: clinical testing. Allele origin: germline.

Breakthrough Genomics
Classification: Likely benign. Review status: criteria provided, single submitter. Criteria: ACMG Guidelines, 2015. Collection method: not provided. Allele origin: germline. Inheritance: Autosomal recessive inheritance. Affected: yes.

PreventionGenetics, part of Exact Sciences
Classification: Likely benign for BBS2-related condition. Last evaluated: 2020-07-31. Review status: no assertion criteria provided. Collection method: clinical testing. Allele origin: germline. Not counted in ClinVar's aggregate classification.
Comment: This variant is classified as likely benign based on ACMG/AMP sequence variant interpretation guidelines (Richards et al. 2015 PMID: 25741868, with internal and published modifications).

NM_031885.5(BBS2):c.1011G>A (p.Leu337=)

Gene: BBS2 (Bardet-Biedl syndrome 2; minus strand). Cytogenetic location: 16q13.
Variant type: single nucleotide variant.
Coding change: c.1011G>A on transcript NM_031885.5 (MANE Select); coding-DNA position 1011, G replaced by A.
Protein change: p.Leu337=; no amino-acid change (leucine 337 retained).
Molecular consequence: synonymous variant. On other transcripts: non-coding transcript variant (5).
Genome position (GRCh38, 1-based): chr16:56,502,386, C>T on the plus strand (G>A on the coding strand, the complement: BBS2 is on the minus strand). VCF-style: chr16-56502386-C-T. GRCh37 (hg19) VCF-style: chr16-56536298-C-T.
Other names: c.1011G>A, p.Leu337= (NM_001377456.1); c.1011G>A (NM_031885.3).
Identifiers: ClinVar variation 1102406 (VCV001102406.11), dbSNP rs767239768, ClinGen allele CA8065848.